The following is an entry in ClinVar:

ClinVar aggregate classification (germline): Uncertain significance. Review status: criteria provided, multiple submitters, no conflicts (2 of 4 stars). 3 submissions from 3 submitters: Uncertain significance (3). Last evaluated 2025-07-17.

Conditions:
Progressive myoclonic epilepsy. Also called: Familial progressive myoclonic epilepsy; Progressive myoclonus epilepsy; Myoclonus epilepsy; Myoclonic Epilepsies, Progressive. Identifiers: Orphanet 308, Orphanet 98261, MedGen C0751778, MONDO:0020074.

Allele frequency attached by ClinVar (database versions not stated): ExAC 0.00001; gnomAD exomes 0.00001.
gnomAD v4.1: 11 of 1,613,868 alleles (0.00068%); highest among the groups gnomAD compares: Middle Eastern, 0.05%; no homozygotes.

Submissions (3):

GeneDx
Classification: Uncertain significance. Last evaluated: 2025-07-17. Review status: criteria provided, single submitter. Criteria: GeneDx Variant Classification Process June 2021. Collection method: clinical testing. Allele origin: germline.
Comment: Not observed at significant frequency in large population cohorts (gnomAD); In silico analysis suggests that this missense variant does not alter protein structure/function; Has not been previously published as pathogenic or benign in association with EPM2A-related disorder to our knowledge; This variant is associated with the following publications: (PMID: 21728993)

Blueprint Genetics
Classification: Uncertain significance. Last evaluated: 2024-10-29. Review status: criteria provided, single submitter. Criteria: ACMG Guidelines, 2015. Collection method: clinical testing. Allele origin: germline.

Labcorp Genetics (formerly Invitae), Labcorp
Classification: Uncertain significance for Progressive myoclonic epilepsy. Last evaluated: 2022-06-05. Review status: criteria provided, single submitter. Criteria: Invitae Variant Classification Sherloc (09022015). Collection method: clinical testing. Allele origin: germline.
Comment: This sequence change replaces threonine, which is neutral and polar, with alanine, which is neutral and non-polar, at codon 133 of the EPM2A protein (p.Thr133Ala). This variant is present in population databases (rs773728573, gnomAD 0.003%). This variant has not been reported in the literature in individuals affected with EPM2A-related conditions. ClinVar contains an entry for this variant (Variation ID: 1392779). Algorithms developed to predict the effect of missense changes on protein structure and function are either unavailable or do not agree on the potential impact of this missense change (SIFT: "Deleterious"; PolyPhen-2: "Benign"; Align-GVGD: "Class C0"). In summary, the available evidence is currently insufficient to determine the role of this variant in disease. Therefore, it has been classified as a Variant of Uncertain Significance.

NM_005670.4(EPM2A):c.397A>G (p.Thr133Ala)

Gene: EPM2A (EPM2A glucan phosphatase, laforin; minus strand). Cytogenetic location: 6q24.3.
Variant type: single nucleotide variant.
Coding change: c.397A>G on transcript NM_005670.4 (MANE Select); coding-DNA position 397, A replaced by G.
Protein change: p.Thr133Ala; replaces threonine 133 with alanine.
Molecular consequence: missense variant. On other transcripts: 5 prime UTR variant (5), non-coding transcript variant (1).
Genome position (GRCh38, 1-based): chr6:145,686,201, T>C on the plus strand (A>G on the coding strand, the complement: EPM2A is on the minus strand). VCF-style: chr6-145686201-T-C. GRCh37 (hg19) VCF-style: chr6-146007337-T-C.
Other names: c.397A>G, p.Thr133Ala (NM_001018041.2, NM_001360057.2, NM_001368130.1); c.-18A>G (NM_001360064.2, NM_001360071.2, NM_001368131.1); c.-227A>G (NM_001368129.2, NM_001368132.1); c.397A>G (NM_005670.3); short protein forms T133A.
Identifiers: ClinVar variation 1392779 (VCV001392779.5), dbSNP rs773728573, ClinGen allele CA4035177.